The following is an entry in ClinVar:

NM_001733.7(C1R):c.912C>T (p.Thr304=)

Gene: C1R (complement C1r; minus strand). Cytogenetic location: 12p13.31.
Variant type: single nucleotide variant.
Coding change: c.912C>T on transcript NM_001733.7 (MANE Select); coding-DNA position 912, C replaced by T.
Protein change: p.Thr304=; no amino-acid change (threonine 304 retained).
Molecular consequence: synonymous variant.
Genome position (GRCh38, 1-based): chr12:7,088,843, G>A on the plus strand (C>T on the coding strand, the complement: C1R is on the minus strand). VCF-style: chr12-7088843-G-A. GRCh37 (hg19) VCF-style: chr12-7241439-G-A.
Other names: c.954C>T, p.Thr318= (NM_001354346.2).
Identifiers: ClinVar variation 3778108 (VCV003778108.7).
Genomic context (GRCh38, chr12:7,088,843, plus strand): 5'-TCTTCCCCCCTTTTCCCCATTGCTGGCCATCGAGGGAGGCCTGCAGGGAGCCTTACTCTC[G>A]GTGGTGTAGCGCAGCTTCCAGCCCCGGCTGTCCCCCGACTCATCTGTGAAGAACAGCAGA-3'
Protein context (NP_001724.4, residues 294-314): DSRGWKLRYT[Thr304=]EIIKCPQPKT

ClinVar aggregate classification (germline): Likely benign (1 of 4 stars; one submission).

Submission:

CeGaT Center for Human Genetics Tuebingen
Classification: Likely benign. Last evaluated: 2025-03-01. Review status: criteria provided, single submitter. Criteria: CeGaT Center For Human Genetics Tuebingen Variant Classification Criteria Version 2. Collection method: clinical testing. Allele origin: germline. Affected: yes. Observed: 1 variant allele.
Comment: C1R: BP4, BP7